The following is an entry in ClinVar:

NM_003001.3(SDHC):c.*1025G>T

Gene: SDHC (succinate dehydrogenase complex subunit C; plus strand). Cytogenetic location: 1q23.3.
Variant type: single nucleotide variant.
Coding change: c.*1025G>T on transcript NM_003001.3; 1025 bases downstream of the stop codon, G replaced by T.
Genome position (GRCh38, 1-based): chr1:161,363,458, G>T. VCF-style: chr1-161363458-G-T. GRCh37 (hg19) VCF-style: chr1-161333248-G-T.
Identifiers: ClinVar variation 293339 (VCV000293339.7), dbSNP rs16832859, ClinGen allele CA10608188.

ClinVar aggregate classification (germline): Benign (1 of 4 stars; one submission).

Conditions:
Hereditary pheochromocytoma and paraganglioma. Also called: Hereditary Paraganglioma-Pheochromocytoma Syndromes; Hereditary paragangliomas and pheochromocytomas; Hereditary pheochromocytoma-paraganglioma. Identifiers: Orphanet 29072, MedGen C4274332, MONDO:0017366.

Allele frequency attached by ClinVar (database versions not stated): gnomAD exomes 0.00418; TOPMed 0.02297; 1000 Genomes Project 0.02955; gnomAD 0.02071 and 0.02202; 1000 Genomes Project 30x 0.03217.

Submission:

Illumina Laboratory Services, Illumina
Classification: Benign for Hereditary Paraganglioma-Pheochromocytoma Syndromes. Last evaluated: 2018-01-13. Review status: criteria provided, single submitter. Criteria: ICSL Variant Classification Criteria 13 December 2019. Collection method: clinical testing. Allele origin: germline.
Comment: This variant was observed in the ICSL laboratory as part of a predisposition screen in an ostensibly healthy population. It had not been previously curated by ICSL or reported in the Human Gene Mutation Database (HGMD: prior to June 1st, 2018), and was therefore a candidate for classification through an automated scoring system. Utilizing variant allele frequency, disease prevalence and penetrance estimates, and inheritance mode, an automated score was calculated to assess if this variant is too frequent to cause the disease. Based on the score and internal cut-off values, a variant classified as benign is not then subjected to further curation. The score for this variant resulted in a classification of benign for this disease.